The following is an entry in ClinVar:

ClinVar aggregate classification (germline): Conflicting classifications of pathogenicity. Review status: criteria provided, conflicting classifications (1 of 4 stars). 2 submissions from 2 submitters: Pathogenic (1); Uncertain significance (1). Last evaluated 2020-04-01.

Conditions:
Cardiovascular phenotype. Identifiers: MedGen CN230736.
Ehlers-Danlos syndrome due to tenascin-X deficiency (EDSCLL1). Also called: EDS DUE TO TNX DEFICIENCY; TNX DEFICIENCY; EHLERS-DANLOS SYNDROME, CLASSIC-LIKE; Ehlers-Danlos syndrome, classic-like, 1; TNXB-Related Classical-Like Ehlers-Danlos Syndrome. Identifiers: Orphanet 230839, MedGen C1848029, MONDO:0011670, OMIM 606408.

Allele frequency attached by ClinVar (database versions not stated): gnomAD exomes below 0.00001; ExAC 0.00001.
gnomAD v4.1: 4 of 1,610,154 alleles (0.00025%); highest among the groups gnomAD compares: Non-Finnish European, 0.00034%; no homozygotes.

Submissions (2):

Clinical Genetics Laboratory, Region Ostergotland
Classification: Pathogenic for Ehlers-Danlos syndrome due to tenascin-X deficiency. Last evaluated: 2020-04-01. Review status: criteria provided, single submitter. Criteria: ACMG Guidelines, 2015. Collection method: clinical testing. Allele origin: germline.
Comment: PVS1, PM2, PP3

Heterozygous. Hypermobility.

Ambry Genetics
Classification: Uncertain significance for Cardiovascular phenotype. Last evaluated: 2020-01-14. Review status: criteria provided, single submitter. Criteria: Ambry Variant Classification Scheme 2023. Collection method: clinical testing. Allele origin: germline.
Comment: The c.7168+1G>T intronic variant results from a G to T substitution one nucleotide after coding exon 19 of the TNXB gene. This nucleotide position is highly conserved in available vertebrate species. Using the BDGP and ESEfinder splice site prediction tools, this alteration is predicted to abolish the native splice donor site; however, direct evidence is unavailable. Alterations that disrupt the canonical splice site are expected to cause aberrant splicing, resulting in an abnormal protein or a transcript that is subject to nonsense-mediated mRNA decay; however, one of the predicted consequences of this variant is skipping of coding exon 19, leading to an in-frame deletion with unknown functional impact. Since supporting evidence is limited at this time, the clinical significance of this alteration remains unclear.

NM_001365276.2(TNXB):c.7168+1G>T

Gene: TNXB (tenascin XB; minus strand). Cytogenetic location: 6p21.33.
Variant type: single nucleotide variant.
Coding change: c.7168+1G>T on transcript NM_001365276.2 (MANE Select); the canonical splice donor site of the intron after coding-DNA position 7168, G replaced by T.
Molecular consequence: splice donor variant.
Genome position (GRCh38, 1-based): chr6:32,062,156, C>A on the plus strand (G>T on the coding strand, the complement: TNXB is on the minus strand). VCF-style: chr6-32062156-C-A. GRCh37 (hg19) VCF-style: chr6-32029933-C-A.
Other names: c.7168+1G>T (NM_019105.8).
Identifiers: ClinVar variation 1301987 (VCV001301987.4), dbSNP rs748759848, ClinGen allele CA3734241.
Genomic context (GRCh38, chr6:32,062,156, plus strand): 5'-CAAAGAGCAAGAGGGTGACCCTCCCATGGCTCCCACCCTGGGGCTCCCATCGTCCACTCA[C>A]CTGTCACCCCGATGGCAGACACGGGGCCCACACGCTGGCCACCGTGGAAGCCGTACAGGT-3'